The following is an entry in ClinVar:

ClinVar aggregate classification (germline): Uncertain significance (1 of 4 stars; one submission).

Submission:

GeneDx
Classification: Uncertain significance. Last evaluated: 2025-08-06. Review status: criteria provided, single submitter. Criteria: GeneDx Variant Classification Process June 2021. Collection method: clinical testing. Allele origin: germline. Affected: yes.
Comment: Not observed at significant frequency in large population cohorts (gnomAD); Missense variants in this gene are a common cause of disease and they are underrepresented in the general population; In silico analysis supports that this missense variant has a deleterious effect on protein structure/function; Has not been previously published as pathogenic or benign to our knowledge

NM_001101.5(ACTB):c.254T>C (p.Ile85Thr)

Gene: ACTB (actin beta; minus strand). Cytogenetic location: 7p22.1.
Variant type: single nucleotide variant.
Coding change: c.254T>C on transcript NM_001101.5 (MANE Select); coding-DNA position 254, T replaced by C.
Protein change: p.Ile85Thr; replaces isoleucine 85 with threonine.
Molecular consequence: missense variant.
Genome position (GRCh38, 1-based): chr7:5,529,270, A>G on the plus strand (T>C on the coding strand, the complement: ACTB is on the minus strand). VCF-style: chr7-5529270-A-G. GRCh37 (hg19) VCF-style: chr7-5568901-A-G.
Other names: short protein forms I85T.
Identifiers: ClinVar variation 4755799 (VCV004755799.1).